The following is an entry in ClinVar:

NM_001110556.2(FLNA):c.2561A>G (p.Asp854Gly)

Gene: FLNA (filamin A; minus strand). Cytogenetic location: Xq28.
Variant type: single nucleotide variant.
Coding change: c.2561A>G on transcript NM_001110556.2 (MANE Select); coding-DNA position 2561, A replaced by G.
Protein change: p.Asp854Gly; replaces aspartic acid 854 with glycine.
Molecular consequence: missense variant.
Genome position (GRCh38, 1-based): chrX:154,362,422, T>C on the plus strand (A>G on the coding strand, the complement: FLNA is on the minus strand). VCF-style: chrX-154362422-T-C. GRCh37 (hg19) VCF-style: chrX-153590790-T-C.
Other names: c.2561A>G, p.Asp854Gly (NM_001456.4); short protein forms D854G.
Identifiers: ClinVar variation 1806594 (VCV001806594.1), dbSNP rs2522748448, ClinGen allele CA415235628.

ClinVar aggregate classification (germline): Uncertain significance (1 of 4 stars; one submission).

Submission:

GeneDx
Classification: Uncertain significance. Last evaluated: 2022-06-21. Review status: criteria provided, single submitter. Criteria: GeneDx Variant Classification Process June 2021. Collection method: clinical testing. Allele origin: germline. Affected: yes.
Comment: Has not been previously published as pathogenic or benign to our knowledge; Not observed at significant frequency in large population cohorts (gnomAD); In silico analysis supports that this missense variant has a deleterious effect on protein structure/function